The following is an entry in ClinVar:

ClinVar aggregate classification (germline): Uncertain significance. Review status: criteria provided, multiple submitters, no conflicts (2 of 4 stars). 2 submissions from 2 submitters: Uncertain significance (2). Last evaluated 2025-12-08.

Conditions:
Inborn genetic diseases. Identifiers: MedGen C0950123, MeSH D030342.

Allele frequency attached by ClinVar (database versions not stated): gnomAD 0.00001; TOPMed 0.00001; gnomAD exomes 0.00003; ExAC 0.00004.
gnomAD v4.1: 42 of 1,614,082 alleles (0.0026%); highest among the groups gnomAD compares: Non-Finnish European, 0.0031%; no homozygotes.

Submissions (2):

Labcorp Genetics (formerly Invitae), Labcorp
Classification: Uncertain significance. Last evaluated: 2025-12-08. Review status: criteria provided, single submitter. Criteria: Invitae Variant Classification Sherloc (09022015). Collection method: clinical testing. Allele origin: germline.
Comment: This sequence change replaces arginine, which is basic and polar, with tryptophan, which is neutral and slightly polar, at codon 958 of the RAB3GAP1 protein (p.Arg958Trp). This variant is present in population databases (rs757184202, gnomAD 0.01%). This variant has not been reported in the literature in individuals affected with RAB3GAP1-related conditions. ClinVar contains an entry for this variant (Variation ID: 2075845). Invitae Evidence Modeling of protein sequence and biophysical properties (such as structural, functional, and spatial information, amino acid conservation, physicochemical variation, residue mobility, and thermodynamic stability) indicates that this missense variant is expected to disrupt RAB3GAP1 protein function with a positive predictive value of 80%. In summary, the available evidence is currently insufficient to determine the role of this variant in disease. Therefore, it has been classified as a Variant of Uncertain Significance.

Ambry Genetics
Classification: Uncertain significance for Inborn genetic diseases. Last evaluated: 2021-07-15. Review status: criteria provided, single submitter. Criteria: Ambry Variant Classification Scheme 2023. Collection method: clinical testing. Allele origin: germline.

NM_012233.3(RAB3GAP1):c.2872C>T (p.Arg958Trp)

Gene: RAB3GAP1 (RAB3 GTPase activating protein catalytic subunit 1; plus strand). Cytogenetic location: 2q21.3.
Variant type: single nucleotide variant.
Coding change: c.2872C>T on transcript NM_012233.3 (MANE Select); coding-DNA position 2872, C replaced by T.
Protein change: p.Arg958Trp; replaces arginine 958 with tryptophan.
Molecular consequence: missense variant.
Genome position (GRCh38, 1-based): chr2:135,168,707, C>T. VCF-style: chr2-135168707-C-T. GRCh37 (hg19) VCF-style: chr2-135926277-C-T.
Other names: c.2893C>T, p.Arg965Trp (NM_001172435.2); short protein forms R958W, R965W.
Identifiers: ClinVar variation 2075845 (VCV002075845.4), dbSNP rs757184202, ClinGen allele CA1885215.